The following is an entry in ClinVar:

NM_001114748.2(TMEM240):c.43G>C (p.Ala15Pro)

Gene: TMEM240 (transmembrane protein 240; minus strand). Cytogenetic location: 1p36.33.
Variant type: single nucleotide variant.
Coding change: c.43G>C on transcript NM_001114748.2 (MANE Select); coding-DNA position 43, G replaced by C.
Protein change: p.Ala15Pro; replaces alanine 15 with proline.
Molecular consequence: missense variant.
Genome position (GRCh38, 1-based): chr1:1,540,304, C>G on the plus strand (G>C on the coding strand, the complement: TMEM240 is on the minus strand). VCF-style: chr1-1540304-C-G. GRCh37 (hg19) VCF-style: chr1-1475684-C-G.
Other names: short protein forms A15P.
Identifiers: ClinVar variation 1181837 (VCV001181837.2), dbSNP rs866865316, ClinGen allele CA337869574.

ClinVar aggregate classification (germline): Uncertain significance (1 of 4 stars; one submission).

Submission:

GeneDx
Classification: Uncertain significance. Last evaluated: 2020-02-25. Review status: criteria provided, single submitter. Criteria: GeneDx Variant Classification Process June 2021. Collection method: clinical testing. Allele origin: germline. Affected: yes.
Comment: Not observed in large population cohorts (Lek et al., 2016); In silico analysis supports that this missense variant does not alter protein structure/function; Has not been previously published as pathogenic or benign to our knowledge